The following is an entry in ClinVar:

NM_002015.4(FOXO1):c.311G>C (p.Gly104Ala)

Gene: FOXO1 (forkhead box O1; minus strand). Cytogenetic location: 13q14.11.
Variant type: single nucleotide variant.
Coding change: c.311G>C on transcript NM_002015.4 (MANE Select); coding-DNA position 311, G replaced by C.
Protein change: p.Gly104Ala; replaces glycine 104 with alanine.
Molecular consequence: missense variant.
Genome position (GRCh38, 1-based): chr13:40,665,902, C>G on the plus strand (G>C on the coding strand, the complement: FOXO1 is on the minus strand). VCF-style: chr13-40665902-C-G. GRCh37 (hg19) VCF-style: chr13-41240039-C-G.
Other names: short protein forms G104A.
Identifiers: ClinVar variation 3058373 (VCV003058373.2), dbSNP rs963605898, ClinGen allele CA248985514.

ClinVar aggregate classification (germline): Likely benign (0 of 4 stars; one submission).

Conditions:
FOXO1-related disorder. Also called: FOXO1-related condition.

Allele frequency attached by ClinVar (database versions not stated): 1000 Genomes Project 30x 0.00078; gnomAD 0.00163; TOPMed 0.00172; gnomAD exomes 0.00336.
gnomAD v4.1: 3,693 of 1,174,372 alleles (0.31%); highest among the groups gnomAD compares: Non-Finnish European, 0.36%; 6 homozygotes.

Submission:

PreventionGenetics, part of Exact Sciences
Classification: Likely benign for FOXO1-related condition. Last evaluated: 2023-04-25. Review status: no assertion criteria provided. Collection method: clinical testing. Allele origin: germline.
Comment: This variant is classified as likely benign based on ACMG/AMP sequence variant interpretation guidelines (Richards et al. 2015 PMID: 25741868, with internal and published modifications).